The following is an entry in ClinVar:

NM_001353921.2(ARHGEF9):c.1269G>A (p.Trp423Ter)

Gene: ARHGEF9 (Cdc42 guanine nucleotide exchange factor 9; minus strand). Cytogenetic location: Xq11.1.
Variant type: single nucleotide variant.
Coding change: c.1269G>A on transcript NM_001353921.2 (MANE Select); coding-DNA position 1269, G replaced by A.
Protein change: p.Trp423Ter; replaces tryptophan 423 with a stop codon.
Molecular consequence: nonsense. On other transcripts: intron variant (2).
Genome position (GRCh38, 1-based): chrX:63,655,546, C>T on the plus strand (G>A on the coding strand, the complement: ARHGEF9 is on the minus strand). VCF-style: chrX-63655546-C-T. GRCh37 (hg19) VCF-style: chrX-62875426-C-T.
Other names: c.1089G>A, p.Trp363Ter (NM_001173479.2); c.942G>A, p.Trp314Ter (NM_001173480.2, NM_001369042.1); c.1185G>A, p.Trp395Ter (NM_001330495.2, NM_001369033.1, NM_001369034.1 and 4 more transcripts); c.1137G>A, p.Trp379Ter (NM_001353922.2); c.1287G>A, p.Trp429Ter (NM_001353923.1); c.1068G>A, p.Trp356Ter (NM_001353924.2, NM_001353926.2, NM_001369039.1 and 1 more transcripts); c.1053G>A, p.Trp351Ter (NM_001353927.2, NM_001369041.1); c.1116G>A, p.Trp372Ter (NM_001353928.2); and 3 more; short protein forms W234*, W314*, W351*, W416*, W356*, W372*, W379*, W395*.
Identifiers: ClinVar variation 2104534 (VCV002104534.6), dbSNP rs2519616140, ClinGen allele CA413404172.

ClinVar aggregate classification (germline): Pathogenic. Review status: criteria provided, multiple submitters, no conflicts (2 of 4 stars). 2 submissions from 2 submitters: Pathogenic (2). Last evaluated 2022-02-28.

Conditions:
Developmental and epileptic encephalopathy, 8 (DEE8). Also called: HYPEREKPLEXIA AND EPILEPSY. Identifiers: Orphanet 163985, Orphanet 2076, MedGen C1845102, MONDO:0010375, OMIM 300607.
Developmental disorder. Identifiers: MedGen C0008073.

Submissions (2):

Labcorp Genetics (formerly Invitae), Labcorp
Classification: Pathogenic for Developmental and epileptic encephalopathy, 8. Last evaluated: 2022-02-28. Review status: criteria provided, single submitter. Criteria: Invitae Variant Classification Sherloc (09022015). Collection method: clinical testing. Allele origin: germline.
Comment: This sequence change creates a premature translational stop signal (p.Trp416*) in the ARHGEF9 gene. It is expected to result in an absent or disrupted protein product. Loss-of-function variants in ARHGEF9 are known to be pathogenic (PMID: 25678704, 26834553, 28589176). This variant is not present in population databases (gnomAD no frequency). This variant has not been reported in the literature in individuals affected with ARHGEF9-related conditions. For these reasons, this variant has been classified as Pathogenic.

Department of Genetics, Rouen University Hospital, Normandy Center for Genomic and Personalized Medicine
Classification: Pathogenic for Developmental disorder. Last evaluated: 2021-11-18. Review status: criteria provided, single submitter. Criteria: ACMG Guidelines, 2015. Collection method: clinical testing. Allele origin: de novo. Affected: yes.

Literature cited by the submitters: PubMed 25678704 (cited by Labcorp Genetics (formerly Invitae), Labcorp); PubMed 26834553 (cited by Labcorp Genetics (formerly Invitae), Labcorp); PubMed 28589176 (cited by Labcorp Genetics (formerly Invitae), Labcorp).